The following is an entry in ClinVar:

ClinVar aggregate classification (germline): Uncertain significance (1 of 4 stars; one submission).

Conditions:
Fanconi anemia complementation group G. Also called: FANCG-Related Fanconi Anemia; Fanconi anemia group G. Identifiers: Orphanet 84, MedGen C3469527, MONDO:0013565, OMIM 614082.

Allele frequency attached by ClinVar (database versions not stated): TOPMed below 0.00001; gnomAD 0.00001.
gnomAD v4.1: 1 of 1,614,104 alleles (0.000062%); highest among the groups gnomAD compares: Non-Finnish European, 0.000085%; no homozygotes.

Submission:

St. Jude Molecular Pathology, St. Jude Children's Research Hospital
Classification: Uncertain significance for Fanconi anemia complementation group G. Last evaluated: 2023-08-30. Review status: criteria provided, single submitter. Criteria: St. Jude Assertion Criteria 2020. Collection method: clinical testing. Allele origin: germline.
Comment: The FANCG c.910G>C (p.Glu304Gln) missense change is absent in gnomAD v2.1.1. The in silico tool REVEL predicts a benign effect on protein function, but to our knowledge this prediction has not been confirmed by functional studies. To our knowledge, this variant has not been reported in individuals with Fanconi anemia. In summary, the evidence currently available is insufficient to determine the clinical significance of this variant. It has therefore been classified as of uncertain significance.

NM_004629.2(FANCG):c.910G>C (p.Glu304Gln)

Gene: FANCG (FA complementation group G; minus strand). Cytogenetic location: 9p13.3.
Variant type: single nucleotide variant.
Coding change: c.910G>C on transcript NM_004629.2 (MANE Select); coding-DNA position 910, G replaced by C.
Protein change: p.Glu304Gln; replaces glutamic acid 304 with glutamine.
Molecular consequence: missense variant.
Genome position (GRCh38, 1-based): chr9:35,076,738, C>G on the plus strand (G>C on the coding strand, the complement: FANCG is on the minus strand). VCF-style: chr9-35076738-C-G. GRCh37 (hg19) VCF-style: chr9-35076735-C-G.
Other names: short protein forms E304Q.
Identifiers: ClinVar variation 2577889 (VCV002577889.1), dbSNP rs1829091954, ClinGen allele CA373312832.